The following is an entry in ClinVar:

ClinVar aggregate classification (germline): Uncertain significance (1 of 4 stars; one submission).

Submission:

GeneDx
Classification: Uncertain significance. Last evaluated: 2024-03-06. Review status: criteria provided, single submitter. Criteria: GeneDx Variant Classification Process June 2021. Collection method: clinical testing. Allele origin: germline. Affected: yes.
Comment: Not observed at significant frequency in large population cohorts (gnomAD); Has not been previously published as pathogenic or benign to our knowledge; Reported using an alternate transcript of the gene

NM_174878.3(CLRN1):c.254-2117G>C

Gene: CLRN1 (clarin 1; minus strand). Cytogenetic location: 3q25.1.
Variant type: single nucleotide variant.
Coding change: c.254-2117G>C on transcript NM_174878.3 (MANE Select); 2117 bases into the intron before coding-DNA position 254, G replaced by C.
Molecular consequence: intron variant. On other transcripts: missense variant (1), 5 prime UTR variant (1).
Genome position (GRCh38, 1-based): chr3:150,943,878, C>G on the plus strand (G>C on the coding strand, the complement: CLRN1 is on the minus strand). VCF-style: chr3-150943878-C-G. GRCh37 (hg19) VCF-style: chr3-150661665-C-G.
Other names: c.367G>C, p.Ala123Pro (NM_001256819.2); c.-34G>C (NM_052995.2); c.254-2117G>C (NM_001195794.1); short protein forms A123P.
Identifiers: ClinVar variation 3373545 (VCV003373545.1).